The following is an entry in ClinVar:

ClinVar aggregate classification (germline): Uncertain significance (1 of 4 stars; one submission).

Conditions:
Amyotrophic lateral sclerosis type 15. Also called: AMYOTROPHIC LATERAL SCLEROSIS 15 WITH FRONTOTEMPORAL DEMENTIA. Identifiers: Orphanet 803, MedGen C3275459, MONDO:0010459, OMIM 300857.

Submission:

Labcorp Genetics (formerly Invitae), Labcorp
Classification: Uncertain significance for Amyotrophic lateral sclerosis type 15. Last evaluated: 2024-07-14. Review status: criteria provided, single submitter. Criteria: Invitae Variant Classification Sherloc (09022015). Collection method: clinical testing. Allele origin: germline.
Comment: This variant, c.1533_1550del, results in the deletion of 6 amino acid(s) of the UBQLN2 protein (p.Ile513_Pro518del), but otherwise preserves the integrity of the reading frame. This variant is present in population databases (rs747098763, gnomAD 0.009%). This variant has been observed in individual(s) with clinical features of amyotrophic lateral sclerosis (PMID: 34544842). In summary, the available evidence is currently insufficient to determine the role of this variant in disease. Therefore, it has been classified as a Variant of Uncertain Significance.

Literature cited by the submitters: PubMed 34544842.

NM_013444.4(UBQLN2):c.1533_1550del (p.510IGP[1])

Gene: UBQLN2 (ubiquilin 2; plus strand). Cytogenetic location: Xp11.21.
Variant type: Deletion.
Coding change: c.1533_1550del on transcript NM_013444.4 (MANE Select); coding-DNA positions 1533 to 1550, 18 bases deleted (CCCCATTGGGCCCATAGG).
Protein change: p.510IGP[1].
Genome position (GRCh38, 1-based): chrX:56,565,406-56,565,423, CCCCATTGGGCCCATAGG deleted; deleting any 18 consecutive bases within chrX:56,565,398-56,565,423 gives the same sequence; the c. name uses the placement nearest the transcript's 3' end. VCF-style (leftmost placement, unchanged base first): chrX-56565397-CCCCATAGGCCCCATTGGG-C. GRCh37 (hg19) VCF-style: chrX-56591830-CCCCATAGGCCCCATTGGG-C.
Identifiers: ClinVar variation 3633558 (VCV003633558.2).
Genomic context (GRCh38, chrX:56,565,397, plus strand): 5'-TATAGGCCCTGTAGGCCCAGTCACCCCCATAGGCCCCATAGGCCCTATAGTCCCTTTTAC[CCCCATAGGCCCCATTGGG>C]CCCATAGGACCCACTGGCCCTGCAGCCCCCCCTGGCTCCACCGGCTCTGGTGGCCCCACG-3'